The following is an entry in ClinVar:

ClinVar aggregate classification (germline): Likely benign. Review status: criteria provided, multiple submitters, no conflicts (2 of 4 stars). 2 submissions from 2 submitters: Likely benign (2). Last evaluated 2025-04-29.

Conditions:
Hereditary diffuse gastric adenocarcinoma (HDGC). Also called: DIFFUSE GASTRIC AND LOBULAR BREAST CANCER SYNDROME. Identifiers: Orphanet 26106, MedGen C1708349, MONDO:0007648, OMIM 137215.

Allele frequency attached by ClinVar (database versions not stated): gnomAD exomes below 0.00001 and 0.00001; gnomAD 0.00001.
gnomAD v4.1: 15 of 1,614,090 alleles (0.00093%); highest among the groups gnomAD compares: East Asian, 0.0022%; no homozygotes.

Submissions (2):

Labcorp Genetics (formerly Invitae), Labcorp
Classification: Likely benign for Hereditary diffuse gastric adenocarcinoma. Last evaluated: 2025-04-29. Review status: criteria provided, single submitter. Criteria: Invitae Variant Classification Sherloc (09022015). Collection method: clinical testing. Allele origin: germline.

Myriad Genetics, Inc.
Classification: Likely benign for Hereditary diffuse gastric adenocarcinoma. Last evaluated: 2024-09-19. Review status: criteria provided, single submitter. Criteria: Myriad Autosomal Dominant, Autosomal Recessive and X-Linked Classification Criteria (2023). Collection method: clinical testing. Allele origin: unknown.
Comment: This variant is considered likely benign. This variant is intronic and is not expected to impact mRNA splicing.

NM_004360.5(CDH1):c.1566-16G>A

Gene: CDH1 (cadherin 1; plus strand). Cytogenetic location: 16q22.1.
Variant type: single nucleotide variant.
Coding change: c.1566-16G>A on transcript NM_004360.5 (MANE Select); 16 bases into the intron before coding-DNA position 1566, G replaced by A.
Molecular consequence: intron variant.
Genome position (GRCh38, 1-based): chr16:68,819,264, G>A. VCF-style: chr16-68819264-G-A. GRCh37 (hg19) VCF-style: chr16-68853167-G-A.
Other names: c.18-16G>A (NM_001317185.2); c.-254-2737G>A (NM_001317186.2); c.1383-16G>A (NM_001317184.2).
Identifiers: ClinVar variation 1585034 (VCV001585034.9), dbSNP rs1291528053, ClinGen allele CA623137075.